The following is an entry in ClinVar:

ClinVar aggregate classification (germline): Likely benign. Review status: criteria provided, multiple submitters, no conflicts (2 of 4 stars). 5 submissions from 5 submitters: Likely benign (4). 1 of the submissions does not count toward it. Last evaluated 2024-12-16.

Conditions:
Hyperaldosteronism, familial, type IV (HALD4). Also called: FH IV; ALDOSTERONISM, PRIMARY, AND HYPERTENSION. Identifiers: Orphanet 642671, MedGen C4310756, MONDO:0014875, OMIM 617027.
Idiopathic generalized epilepsy. Also called: Generalised epilepsy; EIG. Identifiers: MedGen C0270850, MONDO:0005579, OMIM 600669.
Epilepsy, childhood absence, susceptibility to, 6. Identifiers: Orphanet 64280, MedGen C2749872, MONDO:0012763, OMIM 611942.
CACNA1H-related disorder.

Allele frequency attached by ClinVar (database versions not stated): gnomAD 0.00001; gnomAD exomes 0.00040 and 0.00058.
gnomAD v4.1: 324 of 938,722 alleles (0.035%); highest among the groups gnomAD compares: East Asian, 0.041%; no homozygotes.

Submissions (5):

Labcorp Genetics (formerly Invitae), Labcorp
Classification: Likely benign for Idiopathic generalized epilepsy; Hyperaldosteronism, familial, type IV. Last evaluated: 2024-12-16. Review status: criteria provided, single submitter. Criteria: Invitae Variant Classification Sherloc (09022015). Collection method: clinical testing. Allele origin: germline.

Blueprint Genetics
Classification: Likely benign. Last evaluated: 2024-01-23. Review status: criteria provided, single submitter. Criteria: ACMG Guidelines, 2015. Collection method: clinical testing. Allele origin: germline.

Fulgent Genetics
Classification: Likely benign for Epilepsy, childhood absence, susceptibility to, 6; Hyperaldosteronism, familial, type IV. Last evaluated: 2021-12-29. Review status: criteria provided, single submitter. Criteria: ACMG Guidelines, 2015. Collection method: clinical testing. Allele origin: unknown.

Breakthrough Genomics
Classification: Likely benign. Review status: criteria provided, single submitter. Criteria: ACMG Guidelines, 2015. Collection method: not provided. Allele origin: germline. Inheritance: Autosomal dominant inheritance. Affected: yes.

PreventionGenetics, part of Exact Sciences
Classification: Likely benign for CACNA1H-related condition. Last evaluated: 2020-06-09. Review status: no assertion criteria provided. Collection method: clinical testing. Allele origin: germline. Not counted in ClinVar's aggregate classification.
Comment: This variant is classified as likely benign based on ACMG/AMP sequence variant interpretation guidelines (Richards et al. 2015 PMID: 25741868, with internal and published modifications).

NM_021098.3(CACNA1H):c.299+20G>T

Gene: CACNA1H (calcium voltage-gated channel subunit alpha1 H; plus strand). Cytogenetic location: 16p13.3.
Variant type: single nucleotide variant.
Coding change: c.299+20G>T on transcript NM_021098.3 (MANE Select); 20 bases into the intron after coding-DNA position 299, G replaced by T.
Molecular consequence: intron variant.
Genome position (GRCh38, 1-based): chr16:1,154,056, G>T. VCF-style: chr16-1154056-G-T. GRCh37 (hg19) VCF-style: chr16-1204056-G-T.
Other names: c.299+20G>T (NM_001005407.2, NM_021098.2).
Identifiers: ClinVar variation 1545572 (VCV001545572.12), dbSNP rs1291334132, ClinGen allele CA493019240.
Genomic context (GRCh38, chr16:1,154,056, plus strand): 5'-ACGCGGCCGCGCAGCTGGTGCCTCCGGCTGGTCTGCAACCCATATCCTTCCCGGCCGGCG[G>T]GGGGCGGGGGGCGGGGGGCGTGGGGAGGGTGGGGGCCCGGGGCGCGGGACTCCCTCGGCA-3'